The following is an entry in ClinVar:

ClinVar aggregate classification (germline): Uncertain significance (1 of 4 stars; one submission).

Conditions:
Cystic fibrosis (CF). Also called: MUCOVISCIDOSIS. Identifiers: Orphanet 586, MedGen C0010674, MONDO:0009061, OMIM 219700. Disease mechanism: loss of function.

Allele frequency attached by ClinVar (database versions not stated): gnomAD exomes below 0.00001; ExAC 0.00001.
gnomAD v4.1: 2 of 1,614,112 alleles (0.00012%); highest among the groups gnomAD compares: Non-Finnish European, 0.00017%; no homozygotes.

Submission:

Ambry Genetics
Classification: Uncertain significance for Cystic fibrosis. Last evaluated: 2023-02-27. Review status: criteria provided, single submitter. Criteria: Ambry Variant Classification Scheme 2023. Collection method: clinical testing. Allele origin: germline.
Comment: The p.T940I variant (also known as c.2819C>T), located in coding exon 17 of the CFTR gene, results from a C to T substitution at nucleotide position 2819. The threonine at codon 940 is replaced by isoleucine, an amino acid with similar properties. This amino acid position is conserved. In addition, the in silico prediction for this alteration is inconclusive. Since supporting evidence is limited at this time, the clinical significance of this alteration remains unclear.

NM_000492.4(CFTR):c.2819C>T (p.Thr940Ile)

Gene: CFTR (CF transmembrane conductance regulator; plus strand). Cytogenetic location: 7q31.2.
Variant type: single nucleotide variant.
Coding change: c.2819C>T on transcript NM_000492.4 (MANE Select); coding-DNA position 2819, C replaced by T.
Protein change: p.Thr940Ile; replaces threonine 940 with isoleucine.
Molecular consequence: missense variant.
Genome position (GRCh38, 1-based): chr7:117,603,693, C>T. VCF-style: chr7-117603693-C-T. GRCh37 (hg19) VCF-style: chr7-117243747-C-T.
Other names: short protein forms T940I.
Identifiers: ClinVar variation 2453663 (VCV002453663.2), dbSNP rs780871325, ClinGen allele CA4451294.